The following is an entry in ClinVar:

ClinVar aggregate classification (germline): Uncertain significance (1 of 4 stars; one submission).

Submission:

Women's Health and Genetics/Laboratory Corporation of America, LabCorp
Classification: Uncertain significance. Last evaluated: 2025-05-12. Review status: criteria provided, single submitter. Criteria: LabCorp Variant Classification Summary - May 2015. Collection method: clinical testing. Allele origin: germline.
Comment: Variant summary: GNPTAB c.1540C>G (p.Leu514Val) results in a conservative amino acid change in the encoded protein sequence. Algorithms developed to predict the effect of missense changes on protein structure and function are either unavailable or do not agree on the potential impact of this missense change. The variant was absent in 251452 control chromosomes. The available data on variant occurrences in the general population are insufficient to allow any conclusion about variant significance. To our knowledge, no occurrence of c.1540C>G in individuals affected with Mucolipidosis and no experimental evidence demonstrating its impact on protein function have been reported. No submitters have cited clinical-significance assessments for this variant to ClinVar. Based on the evidence outlined above, the variant was classified as uncertain significance.

NM_024312.5(GNPTAB):c.1540C>G (p.Leu514Val)

Gene: GNPTAB (N-acetylglucosamine-1-phosphate transferase subunits alpha and beta; minus strand). Cytogenetic location: 12q23.2.
Variant type: single nucleotide variant.
Coding change: c.1540C>G on transcript NM_024312.5 (MANE Select); coding-DNA position 1540, C replaced by G.
Protein change: p.Leu514Val; replaces leucine 514 with valine.
Molecular consequence: missense variant.
Genome position (GRCh38, 1-based): chr12:101,766,163, G>C on the plus strand (C>G on the coding strand, the complement: GNPTAB is on the minus strand). VCF-style: chr12-101766163-G-C. GRCh37 (hg19) VCF-style: chr12-102159941-G-C.
Other names: short protein forms L514V.
Identifiers: ClinVar variation 3902316 (VCV003902316.1).
Genomic context (GRCh38, chr12:101,766,163, plus strand): 5'-CGCCAGCATCAAACCCACAGGACAAGACATTGCATGCTTGGTCACAGAACTTATCAGCGA[G>C]CCAGGAATTCGCACATCCCTGATTACAGTAAGAGACACTGTTTATTCCTCCACCAAACTG-3'
Protein context (NP_077288.2, residues 504-524): YCNQGCANSW[Leu514Val]ADKFCDQACN